The following is an entry in ClinVar:

ClinVar aggregate classification (germline): Pathogenic (1 of 4 stars; one submission).

Submission:

GeneDx
Classification: Pathogenic. Last evaluated: 2024-11-20. Review status: criteria provided, single submitter. Criteria: GeneDx Variant Classification Process June 2021. Collection method: clinical testing. Allele origin: germline. Affected: yes.
Comment: Observed with a pathogenic variant on the opposite allele (in trans) in a sibling pair with features consistent with CRELD1-related neurodevelopmental disorder with multiple anomalies in the published literature (PMID: 37947183); Frameshift variant predicted to result in protein truncation or nonsense mediated decay in a gene for which loss of function is a known mechanism of disease; Not observed at significant frequency in large population cohorts (gnomAD); This variant is associated with the following publications: (PMID: 37947183)

NM_001077415.3(CRELD1):c.254_257del (p.Asp85fs)

Gene: CRELD1 (cysteine rich with EGF like domains 1; plus strand). Cytogenetic location: 3p25.3.
Variant type: Deletion.
Coding change: c.254_257del on transcript NM_001077415.3 (MANE Select); coding-DNA positions 254 to 257, 4 bases deleted (ACAG; older notation c.254_257delACAG).
Protein change: p.Asp85fs; shifts the reading frame from aspartic acid 85.
Molecular consequence: frameshift variant. On other transcripts: non-coding transcript variant (3).
Genome position (GRCh38, 1-based): chr3:9,934,914-9,934,917, ACAG deleted; deleting any 4 consecutive bases within chr3:9,934,912-9,934,917 gives the same sequence; the c. name uses the placement nearest the transcript's 3' end. VCF-style (leftmost placement, unchanged base first): chr3-9934911-AAGAC-A. GRCh37 (hg19) VCF-style: chr3-9976595-AAGAC-A.
Other names: c.254_257del, p.Asp85fs (NM_001031717.4, NM_001374316.1, NM_001374317.1 and 4 more transcripts); c.254_257delACAG (NM_015513.4); c.254_257del (NM_015513.4); short protein forms D85fs.
Identifiers: ClinVar variation 817355 (VCV000817355.2), dbSNP rs1575631130, ClinGen allele CA915941852.